The following is an entry in ClinVar:

NM_012330.4(KAT6B):c.3275A>G (p.Glu1092Gly)

Gene: KAT6B (lysine acetyltransferase 6B; plus strand). Cytogenetic location: 10q22.2.
Variant type: single nucleotide variant.
Coding change: c.3275A>G on transcript NM_012330.4 (MANE Select); coding-DNA position 3275, A replaced by G.
Protein change: p.Glu1092Gly; replaces glutamic acid 1092 with glycine.
Molecular consequence: missense variant.
Genome position (GRCh38, 1-based): chr10:75,022,134, A>G. VCF-style: chr10-75022134-A-G. GRCh37 (hg19) VCF-style: chr10-76781892-A-G.
Other names: c.2726A>G, p.Glu909Gly (NM_001256468.2, NM_001370138.1); c.2399A>G, p.Glu800Gly (NM_001256469.2, NM_001370139.1, NM_001370140.1 and 2 more transcripts); c.2237A>G, p.Glu746Gly (NM_001370132.1); c.1586A>G, p.Glu529Gly (NM_001370133.1); c.1190A>G, p.Glu397Gly (NM_001370134.1); c.932A>G, p.Glu311Gly (NM_001370135.1); c.3275A>G, p.Glu1092Gly (NM_001370136.1, NM_001370137.1); c.2210A>G, p.Glu737Gly (NM_001370143.1, NM_001370144.1); short protein forms E800G, E1092G, E311G, E746G, E737G, E909G, E397G, E529G.
Identifiers: ClinVar variation 2791139 (VCV002791139.3), dbSNP rs2549170525, ClinGen allele CA377284699.

ClinVar aggregate classification (germline): Uncertain significance (1 of 4 stars; one submission).

Conditions:
Genitopatellar syndrome (GTPTS). Also called: Genitopatellar syndrome (GPS); ABSENT PATELLAE, SCROTAL HYPOPLASIA, RENAL ANOMALIES, FACIAL DYSMORPHISM, AND MENTAL RETARDATION. Identifiers: Orphanet 85201, MedGen C1853566, MONDO:0011640, OMIM 606170.

Submission:

Labcorp Genetics (formerly Invitae), Labcorp
Classification: Uncertain significance for Genitopatellar syndrome. Last evaluated: 2023-07-13. Review status: criteria provided, single submitter. Criteria: Invitae Variant Classification Sherloc (09022015). Collection method: clinical testing. Allele origin: germline.
Comment: This sequence change replaces glutamic acid, which is acidic and polar, with glycine, which is neutral and non-polar, at codon 1092 of the KAT6B protein (p.Glu1092Gly). This variant is not present in population databases (gnomAD no frequency). This variant has not been reported in the literature in individuals affected with KAT6B-related conditions. Advanced modeling of protein sequence and biophysical properties (such as structural, functional, and spatial information, amino acid conservation, physicochemical variation, residue mobility, and thermodynamic stability) performed at Invitae indicates that this missense variant is not expected to disrupt KAT6B protein function. In summary, the available evidence is currently insufficient to determine the role of this variant in disease. Therefore, it has been classified as a Variant of Uncertain Significance.